The following is an entry in ClinVar:

ClinVar aggregate classification (germline): Pathogenic/Likely pathogenic. Review status: criteria provided, multiple submitters, no conflicts (2 of 4 stars). 3 submissions from 3 submitters: Pathogenic (1); Likely pathogenic (2). Last evaluated 2023-05-16.

Conditions:
Marfan syndrome (MFS). Also called: MARFAN SYNDROME, TYPE I; FBN1-Related Marfan Syndrome; Marfan syndrome type 1; Marfan's syndrome; Marfan syndrome, classic. Identifiers: Orphanet 284963, Orphanet 558, MedGen C0024796, MONDO:0007947, OMIM 154700.
FBN1-related disorder. Also called: FBN1-related disorders.

Submissions (3):

Blueprint Genetics
Classification: Likely pathogenic for FBN1-related disorders. Last evaluated: 2023-05-16. Review status: criteria provided, single submitter. Criteria: ACMG Guidelines, 2015. Collection method: clinical testing. Allele origin: germline. Affected: yes. Observed: 1 variant allele.

Victorian Clinical Genetics Services, Murdoch Childrens Research Institute
Classification: Pathogenic for Marfan syndrome. Last evaluated: 2022-09-02. Review status: criteria provided, single submitter. Criteria: ACMG Guidelines, 2015. Collection method: clinical testing. Allele origin: germline. Inheritance: Autosomal dominant inheritance. Affected: yes.
Comment: Based on the classification scheme VCGS_Germline_v1.3.4, this variant is classified as Pathogenic. Following criteria are met: 0103 - Dominant negative and loss of function are known mechanisms of disease in this gene and are associated with FBN1-related disease. Variants predicted to result in nonsense mediated decay cause loss of function effects, and are more commonly associated with severe Marfan syndrome (MIM#154700). Missense variants with both dominant negative and loss of function effects on protein function are associated with Marfan syndrome and ectopia lentis (MIM#129600) (OMIM, PMID: 29357934). The exact genotype-phenotype correlation for this gene is still unclear, and is compounded by variable expressivity (PMID: 20301510). (I) 0107 - This gene is predominantly associated with autosomal dominant disease; autosomal recessive forms of Marfan syndrome have been reported infrequently (PMIDs: 27274304; 31950671). (I) 0115 - Variants in this gene are known to have variable expressivity. The genotype-phenotype correlations for this gene are unclear, with single variants reported in patients with a range of phenotypes (PMID: 20301510, OMIM). (I) 0200 - Variant is predicted to result in a missense amino acid change from cysteine to tyrosine. (I) 0251 - This variant is heterozygous. (I) 0301 - Variant is absent from gnomAD (both v2 and v3). (SP) 0501 - Missense variant consistently predicted to be damaging by multiple in silico tools or highly conserved with a major amino acid change. (SP) 0601 - Variant affects a well-established functional cysteine residue within calcium-binding EGF domain. Cysteine substitutions in EGF/EGF-like domains are commonly disease-causing (PMID: 31227806). (SP) 0703 - Other missense variants comparable to the one identified in this case have moderate previous evidence for pathogenicity. p.(Cys2674Arg) and p.(Cys2674Ser) have been reported as pathogenic or likely pathogenic (ClinVar, PMID: 31227806). (SP) 0803 - This variant has limited previous evidence of pathogenicity in an unrelated individual. It has been reported as likely pathogenic by a clinical testing laboratory (ClinVar). (SP) 0905 - No published segregation evidence has been identified for this variant. (I) 1007 - No published functional evidence has been identified for this variant. (I) 1101 - Very strong and specific phenotype match for this individual. (SP) 1208 - Inheritance information for this variant is not currently available in this individual. (I) Legend: (SP) - Supporting pathogenic, (I) - Information, (SB) - Supporting benign

GeneDx
Classification: Likely pathogenic. Last evaluated: 2019-01-09. Review status: criteria provided, single submitter. Criteria: GeneDx Variant Classification (06012015). Collection method: clinical testing. Allele origin: germline. Affected: yes.
Comment: The C2674Y variant has not been published as a pathogenic variant, nor has it been reported as a benign variant to our knowledge. The C2674Y variant was not observed in approximately 6,500 individuals of European and African American ancestry in the NHLBI Exome Sequencing Project, indicating it is not a common benign variant in these populations. The C2674Y variant is a non-conservative amino acid substitution, which is likely to impact secondary protein structure as these residues differ in polarity, charge, size and/or other properties. Furthermore, this substitution occurs at a position that is conserved across species and in silico analysis predicts this variant is probably damaging to the protein structure/function. Additionally, the C2674Y variant affects a Cysteine residue within a calcium-binding EGF-like domain of the FBN1 gene, which may affect disulfide bonding and is predicted to alter the structure and function of the protein. Cysteine substitutions in the calcium-binding EGF-like domains represent the majority of pathogenic missense changes associated with Marfan syndrome (Collod-Beroud et al., 2003).Therefore, this variant is likely pathogenic.

Literature cited by the submitters: PubMed 20301510 (cited by Victorian Clinical Genetics Services, Murdoch Childrens Research Institute); PubMed 27274304 (cited by Victorian Clinical Genetics Services, Murdoch Childrens Research Institute); PubMed 29357934 (cited by Victorian Clinical Genetics Services, Murdoch Childrens Research Institute); PubMed 31227806 (cited by Victorian Clinical Genetics Services, Murdoch Childrens Research Institute); PubMed 31950671 (cited by Victorian Clinical Genetics Services, Murdoch Childrens Research Institute).

NM_000138.5(FBN1):c.8021G>A (p.Cys2674Tyr)

Gene: FBN1 (fibrillin 1; minus strand). Cytogenetic location: 15q21.1.
Variant type: single nucleotide variant.
Coding change: c.8021G>A on transcript NM_000138.5 (MANE Select); coding-DNA position 8021, G replaced by A.
Protein change: p.Cys2674Tyr; replaces cysteine 2674 with tyrosine.
Molecular consequence: missense variant.
Genome position (GRCh38, 1-based): chr15:48,415,566, C>T on the plus strand (G>A on the coding strand, the complement: FBN1 is on the minus strand). VCF-style: chr15-48415566-C-T. GRCh37 (hg19) VCF-style: chr15-48707763-C-T.
Other names: short protein forms C2674Y.
Identifiers: ClinVar variation 432086 (VCV000432086.6), dbSNP rs1555393827, ClinGen allele CA392322605.